The following is an entry in ClinVar:

NM_005188.4(CBL):c.710C>A (p.Ser237Ter)

Gene: CBL (Cbl proto-oncogene; plus strand). Cytogenetic location: 11q23.3.
Variant type: single nucleotide variant.
Coding change: c.710C>A on transcript NM_005188.4 (MANE Select); coding-DNA position 710, C replaced by A.
Protein change: p.Ser237Ter; replaces serine 237 with a stop codon.
Molecular consequence: nonsense.
Genome position (GRCh38, 1-based): chr11:119,273,987, C>A. VCF-style: chr11-119273987-C-A. GRCh37 (hg19) VCF-style: chr11-119144697-C-A.
Other names: short protein forms S237*.
Identifiers: ClinVar variation 2911513 (VCV002911513.3), dbSNP rs1949868655, ClinGen allele CA382909681.

ClinVar aggregate classification (germline): Uncertain significance (1 of 4 stars; one submission).

Conditions:
RASopathy. Also called: Noonan spectrum disorder; rasopathies. Identifiers: Orphanet 536391, MedGen C5555857, MONDO:0021060.

Submission:

Labcorp Genetics (formerly Invitae), Labcorp
Classification: Uncertain significance for RASopathy. Last evaluated: 2024-01-24. Review status: criteria provided, single submitter. Criteria: Invitae Variant Classification Sherloc (09022015). Collection method: clinical testing. Allele origin: germline.
Comment: This sequence change creates a premature translational stop signal (p.Ser237*) in the CBL gene. It is expected to result in an absent or disrupted protein product. However, the current clinical and genetic evidence is not sufficient to establish whether loss-of-function variants in CBL cause disease. This variant is not present in population databases (gnomAD no frequency). This variant has not been reported in the literature in individuals affected with CBL-related conditions. Algorithms developed to predict the effect of sequence changes on RNA splicing suggest that this variant may disrupt the consensus splice site. In summary, the available evidence is currently insufficient to determine the role of this variant in disease. Therefore, it has been classified as a Variant of Uncertain Significance.